The following is an entry in ClinVar:

ClinVar aggregate classification (germline): Uncertain significance (1 of 4 stars; one submission).

Conditions:
Progressive sclerosing poliodystrophy (MTDPS4A). Also called: ALPERS PROGRESSIVE INFANTILE POLIODYSTROPHY; NEURONAL DEGENERATION OF CHILDHOOD WITH LIVER DISEASE, PROGRESSIVE; Alpers Syndrome; ALPERS DIFFUSE DEGENERATION OF CEREBRAL GRAY MATTER WITH HEPATIC CIRRHOSIS; Alpers-Huttenlocher Syndrome; Mitochondrial DNA Depletion Syndrome 4A. Identifiers: Orphanet 726, MedGen C0205710, MONDO:0008758, OMIM 203700.

Allele frequency attached by ClinVar (database versions not stated): gnomAD exomes below 0.00001; TOPMed 0.00001.
gnomAD v4.1: 6 of 1,614,258 alleles (0.00037%); highest among the groups gnomAD compares: Non-Finnish European, 0.00051%; no homozygotes.

Submission:

Labcorp Genetics (formerly Invitae), Labcorp
Classification: Uncertain significance for Progressive sclerosing poliodystrophy. Last evaluated: 2023-11-15. Review status: criteria provided, single submitter. Criteria: Invitae Variant Classification Sherloc (09022015). Collection method: clinical testing. Allele origin: germline.
Comment: This sequence change replaces alanine, which is neutral and non-polar, with threonine, which is neutral and polar, at codon 510 of the POLG protein (p.Ala510Thr). This variant is not present in population databases (gnomAD no frequency). This variant has not been reported in the literature in individuals affected with POLG-related conditions. Advanced modeling of protein sequence and biophysical properties (such as structural, functional, and spatial information, amino acid conservation, physicochemical variation, residue mobility, and thermodynamic stability) performed at Invitae indicates that this missense variant is not expected to disrupt POLG protein function with a negative predictive value of 95%. In summary, the available evidence is currently insufficient to determine the role of this variant in disease. Therefore, it has been classified as a Variant of Uncertain Significance.

NM_002693.3(POLG):c.1528G>A (p.Ala510Thr)

Gene: POLG (DNA polymerase gamma, catalytic subunit; minus strand). Cytogenetic location: 15q26.1.
Variant type: single nucleotide variant.
Coding change: c.1528G>A on transcript NM_002693.3 (MANE Select); coding-DNA position 1528, G replaced by A.
Protein change: p.Ala510Thr; replaces alanine 510 with threonine.
Molecular consequence: missense variant.
Genome position (GRCh38, 1-based): chr15:89,326,969, C>T on the plus strand (G>A on the coding strand, the complement: POLG is on the minus strand). VCF-style: chr15-89326969-C-T. GRCh37 (hg19) VCF-style: chr15-89870200-C-T.
Other names: c.1528G>A, p.Ala510Thr (NM_001126131.2); short protein forms A510T.
Identifiers: ClinVar variation 2796672 (VCV002796672.3), dbSNP rs2055529950, ClinGen allele CA393760816.